The following is an entry in ClinVar:

ClinVar aggregate classification (germline): Benign/Likely benign. Review status: criteria provided, multiple submitters, no conflicts (2 of 4 stars). 3 submissions from 3 submitters: Benign (1); Likely benign (2). Last evaluated 2026-07-17.

Conditions:
Hereditary cancer-predisposing syndrome. Also called: Tumor predisposition; Neoplastic Syndromes, Hereditary; Hereditary Cancer Syndrome; Hereditary neoplastic syndrome. Identifiers: Orphanet 140162, MedGen C0027672, MeSH D009386, MONDO:0015356.
Rhabdoid tumor predisposition syndrome 2 (RTPS2). Identifiers: Orphanet 231108, Orphanet 69077, MedGen C2750074, MONDO:0013224, OMIM 613325.

Allele frequency attached by ClinVar (database versions not stated): gnomAD exomes below 0.00001; TOPMed below 0.00001.
gnomAD v4.1: 3 of 1,613,054 alleles (0.00019%); highest among the groups gnomAD compares: Non-Finnish European, 0.00025%; no homozygotes.

Submissions (3):

Myriad Genetics, Inc.
Classification: Benign for Rhabdoid tumor predisposition syndrome 2. Last evaluated: 2026-07-17. Review status: criteria provided, single submitter. Criteria: Myriad Autosomal Dominant, Autosomal Recessive and X-Linked Classification Criteria (2023). Collection method: clinical testing. Allele origin: unknown.
Comment: This variant is considered benign. This variant is a silent/synonymous amino acid change and it is not expected to impact splicing.

Labcorp Genetics (formerly Invitae), Labcorp
Classification: Likely benign for Rhabdoid tumor predisposition syndrome 2. Last evaluated: 2025-07-07. Review status: criteria provided, single submitter. Criteria: Invitae Variant Classification Sherloc (09022015). Collection method: clinical testing. Allele origin: germline.

Ambry Genetics
Classification: Likely benign for Hereditary cancer-predisposing syndrome. Last evaluated: 2016-04-15. Review status: criteria provided, single submitter. Criteria: Ambry Variant Classification Scheme 2023. Collection method: clinical testing. Allele origin: germline.

NM_003072.5(SMARCA4):c.4131G>A (p.Val1377=)

Gene: SMARCA4 (SWI/SNF related BAF chromatin remodeling complex subunit ATPase 4; plus strand). Cytogenetic location: 19p13.2.
Variant type: single nucleotide variant.
Coding change: c.4131G>A on transcript NM_003072.5 (MANE Select); coding-DNA position 4131, G replaced by A.
Protein change: p.Val1377=; no amino-acid change (valine 1377 retained).
Molecular consequence: synonymous variant. On other transcripts: non-coding transcript variant (1).
Genome position (GRCh38, 1-based): chr19:11,035,093, G>A. VCF-style: chr19-11035093-G-A. GRCh37 (hg19) VCF-style: chr19-11145769-G-A.
Other names: c.4131G>A, p.Val1377= (NM_001128844.3, NM_001387283.1, NM_001128849.3); c.4032G>A, p.Val1344= (NM_001128845.2, NM_001128846.2, NM_001128847.4 and 2 more transcripts).
Identifiers: ClinVar variation 480619 (VCV000480619.14), dbSNP rs1555785500, ClinGen allele CA505493457.